The following is an entry in ClinVar:

ClinVar aggregate classification (germline): Uncertain significance (1 of 4 stars; one submission).

Conditions:
Cardiovascular phenotype. Identifiers: MedGen CN230736.

gnomAD v4.1: 1 of 1,613,442 alleles (0.000062%); highest among the groups gnomAD compares: Non-Finnish European, 0.000085%; no homozygotes.

Submission:

Ambry Genetics
Classification: Uncertain significance for Cardiovascular phenotype. Last evaluated: 2023-10-02. Review status: criteria provided, single submitter. Criteria: Ambry Variant Classification Scheme 2023. Collection method: clinical testing. Allele origin: germline.
Comment: The p.P1703T variant (also known as c.5107C>A), located in coding exon 38 of the ANK2 gene, results from a C to A substitution at nucleotide position 5107. The proline at codon 1703 is replaced by threonine, an amino acid with highly similar properties. This amino acid position is conserved. In addition, the in silico prediction for this alteration is inconclusive. Since supporting evidence is limited at this time, the clinical significance of this alteration remains unclear.

NM_001148.6(ANK2):c.5107C>A (p.Pro1703Thr)

Gene: ANK2 (ankyrin 2; plus strand). Cytogenetic location: 4q26.
Variant type: single nucleotide variant.
Coding change: c.5107C>A on transcript NM_001148.6 (MANE Select); coding-DNA position 5107, C replaced by A.
Protein change: p.Pro1703Thr; replaces proline 1703 with threonine.
Molecular consequence: missense variant. On other transcripts: intron variant (68).
Genome position (GRCh38, 1-based): chr4:113,353,725, C>A. VCF-style: chr4-113353725-C-A. GRCh37 (hg19) VCF-style: chr4-114274881-C-A.
Other names: c.4873C>A, p.Pro1625Thr (NM_001386142.1); c.1507C>A, p.Pro503Thr (NM_001386166.1); c.5248C>A, p.Pro1750Thr (NM_001386174.1); c.5224C>A, p.Pro1742Thr (NM_001386175.1); c.4411+3476C>A (NM_001386186.2, NM_001386148.2); c.4213+3476C>A (NM_001354269.3); c.4291+3476C>A (NM_001386187.2); c.4252+3476C>A (NM_001386147.1); and 35 more; short protein forms P1625T, P1703T, P1742T, P1750T, P503T.
Identifiers: ClinVar variation 3220981 (VCV003220981.1), dbSNP rs747867539, ClinGen allele CA357918125.
Genomic context (GRCh38, chr4:113,353,725, plus strand): 5'-CCCCCAGATGAGACACAGAGTACACAGAAACAGCACAAACCAAGCTTGGGAATAAAGAAG[C>A]CAGTAAGAAGGAAATTAAAAGAAAAGCAGAAACAAAAAGAGGAAGGTTTACAAGCTAGTG-3'
Protein context (NP_001139.3, residues 1693-1713): QHKPSLGIKK[Pro1703Thr]VRRKLKEKQK